The following is an entry in ClinVar:

ClinVar aggregate classification (germline): Likely pathogenic (1 of 4 stars; one submission).

Conditions:
Lysosomal acid lipase deficiency. Also called: Acid cholesteryl ester hydrolase deficiency, type 2. Identifiers: Orphanet 275761, MedGen C5574740, MONDO:0800449, MONDO:0010204.

Submission:

Natera, Inc.
Classification: Likely pathogenic for Lysosomal acid lipase deficiency. Last evaluated: 2024-09-12. Review status: criteria provided, single submitter. Criteria: Natera Variant Classification Schema (03/2026). Collection method: clinical testing. Allele origin: germline.
Comment: The c.230-1G>T variant in LIPA is a canonical splice acceptor site variant predicted to affect pre-mRNA splicing, which may result in an abnormal transcript and altered protein product. This variant is expected to result in nonsense mediated decay, truncation, or a dysfunctional protein product. This variant is rare in the general population with a frequency below the threshold expected for the associated phenotype(s). Given the available evidence, this variant is classified as Likely Pathogenic.

NM_000235.4(LIPA):c.230-1G>T

Gene: LIPA (lipase A, lysosomal acid type; minus strand). Cytogenetic location: 10q23.31.
Variant type: single nucleotide variant.
Coding change: c.230-1G>T on transcript NM_000235.4 (MANE Select); the canonical splice acceptor site of the intron before coding-DNA position 230, G replaced by T.
Molecular consequence: splice acceptor variant.
Genome position (GRCh38, 1-based): chr10:89,228,399, C>A on the plus strand (G>T on the coding strand, the complement: LIPA is on the minus strand). VCF-style: chr10-89228399-C-A. GRCh37 (hg19) VCF-style: chr10-90988156-C-A.
Other names: c.62-1G>T (NM_001440839.1); c.230-1G>T (NM_001440819.1, NM_001440821.1, NM_001440824.1 and 17 more transcripts); c.245-1G>T (NM_001440838.1); c.362-1G>T (NM_001440836.1); c.-119-1G>T (NM_001288979.2).
Identifiers: ClinVar variation 4817954 (VCV004817954.1).
Genomic context (GRCh38, chr10:89,228,399, plus strand): 5'-TGACCCAGTTACTAGAATCTGCCAGCAAGCCATGTTGCAGGAAGACAACTGGTTTGGGAC[C>A]TGAAAAACATTCATTGTTTAGGAGGCAGTAGCACCAAGCTTCAAAACAAATATGATATCT-3'